The following is an entry in ClinVar:

ClinVar aggregate classification (germline): Pathogenic (1 of 4 stars; one submission).

Submission:

GeneDx
Classification: Pathogenic. Last evaluated: 2025-02-03. Review status: criteria provided, single submitter. Criteria: GeneDx Variant Classification Process June 2021. Collection method: clinical testing. Allele origin: germline. Affected: yes.
Comment: Nonsense variant predicted to result in protein truncation, as the last 1090 amino acids are lost, and other loss-of-function variants have been reported downstream in HGMD; Not observed at significant frequency in large population cohorts (gnomAD); Has not been previously published as pathogenic or benign to our knowledge

NM_002016.2(FLG):c.8915C>G (p.Ser2972Ter)

Genes: CCDST (cervical cancer associated DHX9 suppressive transcript; plus strand), FLG (filaggrin; minus strand). Cytogenetic location: 1q21.3.
Variant type: single nucleotide variant.
Coding change: c.8915C>G on transcript NM_002016.2 (MANE Select); coding-DNA position 8915, C replaced by G.
Protein change: p.Ser2972Ter; replaces serine 2972 with a stop codon.
Molecular consequence: nonsense.
Genome position (GRCh38, 1-based): chr1:152,305,971, G>C on the plus strand (C>G on the coding strand, the complement: FLG is on the minus strand). VCF-style: chr1-152305971-G-C. GRCh37 (hg19) VCF-style: chr1-152278447-G-C.
Other names: short protein forms S2972*.
Identifiers: ClinVar variation 4074393 (VCV004074393.1).